The following is an entry in ClinVar:

NM_000540.3(RYR1):c.4129G>A (p.Asp1377Asn)

Gene: RYR1 (ryanodine receptor 1; plus strand). Cytogenetic location: 19q13.2.
Variant type: single nucleotide variant.
Coding change: c.4129G>A on transcript NM_000540.3 (MANE Select); coding-DNA position 4129, G replaced by A.
Protein change: p.Asp1377Asn; replaces aspartic acid 1377 with asparagine.
Molecular consequence: missense variant.
Genome position (GRCh38, 1-based): chr19:38,473,740, G>A. VCF-style: chr19-38473740-G-A. GRCh37 (hg19) VCF-style: chr19-38964380-G-A.
Other names: c.4129G>A, p.Asp1377Asn (NM_001042723.2); short protein forms D1377N.
Identifiers: ClinVar variation 4756574 (VCV004756574.1).
Genomic context (GRCh38, chr19:38,473,740, plus strand): 5'-CCCGGGGGCACCCCGCAGGCGGGGGGAGAGGCGCAGCCCGCCAGGGCGGAGAATGAGAAG[G>A]ATGCCACCACCGAGAAGAACAAGAAGAGAGGGTGAGTCGAGGGGGGCCCAGAGTGGGGAT-3'
Protein context (NP_000531.2, residues 1367-1387): AQPARAENEK[Asp1377Asn]ATTEKNKKRG

ClinVar aggregate classification (germline): Uncertain significance (1 of 4 stars; one submission).

Conditions:
Malignant hyperthermia, susceptibility to, 1 (MHS1). Also called: RYR1-Related Malignant Hyperthermia Susceptibility; Malignant hyperthermia suceptibility 1; Anesthesia related hyperthermia; Malignant hyperpyrexia; Fulminating hyperpyrexia; Pharmacogenic myopathy. Identifiers: Orphanet 423, MedGen C2930980, MONDO:0007783, OMIM 145600.

Submission:

Color Diagnostics, LLC DBA Color Health
Classification: Uncertain significance for Malignant hyperthermia, susceptibility to, 1. Last evaluated: 2025-09-05. Review status: criteria provided, single submitter. Criteria: ACMG Guidelines, 2015. Collection method: clinical testing. Allele origin: germline.
Comment: This missense variant replaces aspartic acid with asparagine at codon 1377 of the RYR1 protein. Computational prediction is inconclusive regarding the impact of this variant on protein structure and function. To our knowledge, functional studies have not been reported for this variant. This variant has not been reported in individuals affected with RYR1-related disorders in the literature. This variant has not been identified in the general population by the Genome Aggregation Database (gnomAD). The available evidence is insufficient to determine the role of this variant in disease conclusively. Therefore, this variant is classified as a Variant of Uncertain Significance.